The following is an entry in ClinVar:

NM_000023.4(SGCA):c.172G>C (p.Val58Leu)

Gene: SGCA (sarcoglycan alpha; plus strand). Cytogenetic location: 17q21.33.
Variant type: single nucleotide variant.
Coding change: c.172G>C on transcript NM_000023.4 (MANE Select); coding-DNA position 172, G replaced by C.
Protein change: p.Val58Leu; replaces valine 58 with leucine.
Molecular consequence: missense variant. On other transcripts: non-coding transcript variant (1).
Genome position (GRCh38, 1-based): chr17:50,167,596, G>C. VCF-style: chr17-50167596-G-C. GRCh37 (hg19) VCF-style: chr17-48244957-G-C.
Other names: c.172G>C, p.Val58Leu (NM_001135697.3); short protein forms V58L.
Identifiers: ClinVar variation 497667 (VCV000497667.14), dbSNP rs141953249, ClinGen allele CA8643728.
Genomic context (GRCh38, chr17:50,167,596, plus strand): 5'-CAGGGCTCCTGCTGTGACTCGAATCCCCTCTCCTCGCTTCCACCAGCTGTCCCACCCGCT[G>C]TCCACATCACCTACCACGCCCACCTCCAGGGACACCCAGACCTGCCCCGGTGGCTCCGCT-3'
Protein context (NP_000014.1, residues 48-68): LPEHVAVPPA[Val58Leu]HITYHAHLQG

ClinVar aggregate classification (germline): Uncertain significance. Review status: criteria provided, multiple submitters, no conflicts (2 of 4 stars). 6 submissions from 6 submitters: Uncertain significance (5). 1 of the submissions does not count toward it. Last evaluated 2024-01-09.

Conditions:
Inborn genetic diseases. Identifiers: MedGen C0950123, MeSH D030342.
Autosomal recessive limb-girdle muscular dystrophy type 2D (LGMDR3). Also called: MUSCULAR DYSTROPHY, LIMB-GIRDLE, AUTOSOMAL RECESSIVE 3; ADHALINOPATHY, PRIMARY; DUCHENNE-LIKE AUTOSOMAL RECESSIVE MUSCULAR DYSTROPHY, TYPE 2. Identifiers: Orphanet 62, MedGen C2936332, MONDO:0011968, OMIM 608099. Disease mechanism: Affects gamma-sarcoglycan and also disrupts the integrity of the entire sarcoglycan complex..

Allele frequency attached by ClinVar (database versions not stated): gnomAD exomes 0.00004; ExAC 0.00005; gnomAD 0.00017; TOPMed 0.00021; ESP Exome Variant Server 0.00023.
gnomAD v4.1: 36 of 1,613,518 alleles (0.0022%); highest among the groups gnomAD compares: African/African-American, 0.032%; no homozygotes.

Submissions (6):

Ambry Genetics
Classification: Uncertain significance for Inborn genetic diseases. Last evaluated: 2024-01-09. Review status: criteria provided, single submitter. Criteria: Ambry Variant Classification Scheme 2023. Collection method: clinical testing. Allele origin: germline.

Genome-Nilou Lab
Classification: Uncertain significance for Autosomal recessive limb-girdle muscular dystrophy type 2D. Last evaluated: 2023-02-08. Review status: criteria provided, single submitter. Criteria: ACMG Guidelines, 2015. Collection method: clinical testing. Allele origin: germline.

Labcorp Genetics (formerly Invitae), Labcorp
Classification: Uncertain significance for Autosomal recessive limb-girdle muscular dystrophy type 2D. Last evaluated: 2022-08-05. Review status: criteria provided, single submitter. Criteria: Invitae Variant Classification Sherloc (09022015). Collection method: clinical testing. Allele origin: germline.
Comment: This sequence change replaces valine, which is neutral and non-polar, with leucine, which is neutral and non-polar, at codon 58 of the SGCA protein (p.Val58Leu). This variant is present in population databases (rs141953249, gnomAD 0.04%). This variant has not been reported in the literature in individuals affected with SGCA-related conditions. ClinVar contains an entry for this variant (Variation ID: 497667). Advanced modeling of protein sequence and biophysical properties (such as structural, functional, and spatial information, amino acid conservation, physicochemical variation, residue mobility, and thermodynamic stability) performed at Invitae indicates that this missense variant is not expected to disrupt SGCA protein function. In summary, the available evidence is currently insufficient to determine the role of this variant in disease. Therefore, it has been classified as a Variant of Uncertain Significance.

Revvity Omics, Revvity
Classification: Uncertain significance for Autosomal recessive limb-girdle muscular dystrophy type 2D. Last evaluated: 2022-06-13. Review status: criteria provided, single submitter. Criteria: ACMG Guidelines, 2015. Collection method: clinical testing. Allele origin: germline.

Eurofins Ntd Llc (ga)
Classification: Uncertain significance. Last evaluated: 2017-11-16. Review status: criteria provided, single submitter. Criteria: EGL Classification Definitions 2015. Collection method: clinical testing. Allele origin: germline. Observed: 2 variant alleles, 2 heterozygotes.

Natera, Inc.
Classification: Uncertain significance for Limb-girdle muscular dystrophy type 2D. Last evaluated: 2019-11-11. Review status: no assertion criteria provided. Collection method: clinical testing. Allele origin: germline. Not counted in ClinVar's aggregate classification.